The following is an entry in ClinVar:

NM_020928.2(ZSWIM6):c.1344del (p.Leu447_Trp448insTer)

Gene: ZSWIM6 (zinc finger SWIM-type containing 6; plus strand). Cytogenetic location: 5q12.1.
Variant type: Deletion.
Coding change: c.1344del on transcript NM_020928.2 (MANE Select); coding-DNA position 1344, one base deleted (G; older notation c.1344delG).
Protein change: p.Leu447_Trp448insTer.
Molecular consequence: nonsense.
Genome position (GRCh38, 1-based): chr5:61,521,273, G deleted; the last of 2 consecutive G bases (chr5:61,521,272-61,521,273); deleting either gives the same sequence. VCF-style (leftmost placement, unchanged base first): chr5-61521271-TG-T. GRCh37 (hg19) VCF-style: chr5-60817098-TG-T.
Identifiers: ClinVar variation 1723586 (VCV001723586.2), dbSNP rs2478332933, ClinGen allele CA2580073353.

ClinVar aggregate classification (germline): Uncertain significance (1 of 4 stars; one submission).

Submission:

GeneDx
Classification: Uncertain significance. Last evaluated: 2022-05-08. Review status: criteria provided, single submitter. Criteria: GeneDx Variant Classification Process June 2021. Collection method: clinical testing. Allele origin: germline. Affected: yes.
Comment: Not observed at significant frequency in large population cohorts (gnomAD); Nonsense variant predicted to result in protein truncation or nonsense mediated decay in a gene or region of a gene for which loss of function is not a well-established mechanism of disease; Has not been previously published as pathogenic or benign to our knowledge